The following is an entry in ClinVar:

NM_001177316.2(SLC34A3):c.1444G>A (p.Ala482Thr)

Gene: SLC34A3 (solute carrier family 34 member 3; plus strand). Cytogenetic location: 9q34.3.
Variant type: single nucleotide variant.
Coding change: c.1444G>A on transcript NM_001177316.2 (MANE Select); coding-DNA position 1444, G replaced by A.
Protein change: p.Ala482Thr; replaces alanine 482 with threonine.
Molecular consequence: missense variant.
Genome position (GRCh38, 1-based): chr9:137,236,060, G>A. VCF-style: chr9-137236060-G-A. GRCh37 (hg19) VCF-style: chr9-140130512-G-A.
Other names: c.1444G>A, p.Ala482Thr (NM_001177317.2, NM_080877.3); short protein forms A482T.
Identifiers: ClinVar variation 1057893 (VCV001057893.14), dbSNP rs757308975, ClinGen allele CA5364949.

ClinVar aggregate classification (germline): Uncertain significance. Review status: criteria provided, multiple submitters, no conflicts (2 of 4 stars). 3 submissions from 3 submitters: Uncertain significance (3). Last evaluated 2025-04-02.

Conditions:
Inborn genetic diseases. Identifiers: MedGen C0950123, MeSH D030342.
Autosomal recessive hypophosphatemic bone disease (HHRH). Also called: Hypophosphatemic rickets with hypercalciuria; HYPERCALCIURIC RICKETS. Identifiers: Orphanet 157215, MedGen C1853271, MONDO:0009431, OMIM 241530.

Allele frequency attached by ClinVar (database versions not stated): gnomAD 0.00004 and 0.00006; gnomAD exomes 0.00004; TOPMed 0.00005; ExAC 0.00008.

Submissions (3):

Ambry Genetics
Classification: Uncertain significance for Inborn genetic diseases. Last evaluated: 2025-04-02. Review status: criteria provided, single submitter. Criteria: Ambry Variant Classification Scheme 2023. Collection method: clinical testing. Allele origin: germline.

Fulgent Genetics
Classification: Uncertain significance for Autosomal recessive hypophosphatemic bone disease. Last evaluated: 2024-05-28. Review status: criteria provided, single submitter. Criteria: ACMG Guidelines, 2015. Collection method: clinical testing. Allele origin: germline.

Labcorp Genetics (formerly Invitae), Labcorp
Classification: Uncertain significance. Last evaluated: 2024-04-08. Review status: criteria provided, single submitter. Criteria: Invitae Variant Classification Sherloc (09022015). Collection method: clinical testing. Allele origin: germline.
Comment: This sequence change replaces alanine, which is neutral and non-polar, with threonine, which is neutral and polar, at codon 482 of the SLC34A3 protein (p.Ala482Thr). This variant is present in population databases (rs757308975, gnomAD 0.02%). This variant has not been reported in the literature in individuals affected with SLC34A3-related conditions. ClinVar contains an entry for this variant (Variation ID: 1057893). Advanced modeling of protein sequence and biophysical properties (such as structural, functional, and spatial information, amino acid conservation, physicochemical variation, residue mobility, and thermodynamic stability) performed at Invitae indicates that this missense variant is not expected to disrupt SLC34A3 protein function with a negative predictive value of 80%. In summary, the available evidence is currently insufficient to determine the role of this variant in disease. Therefore, it has been classified as a Variant of Uncertain Significance.